The following is an entry in ClinVar:

NM_002303.6(LEPR):c.1645A>G (p.Ile549Val)

Gene: LEPR (leptin receptor; plus strand). Cytogenetic location: 1p31.3.
Variant type: single nucleotide variant.
Coding change: c.1645A>G on transcript NM_002303.6 (MANE Select); coding-DNA position 1645, A replaced by G.
Protein change: p.Ile549Val; replaces isoleucine 549 with valine.
Molecular consequence: missense variant.
Genome position (GRCh38, 1-based): chr1:65,608,794, A>G. VCF-style: chr1-65608794-A-G. GRCh37 (hg19) VCF-style: chr1-66074477-A-G.
Other names: c.1645A>G, p.Ile549Val (NM_001003679.3, NM_001003680.3, NM_001198687.2 and 2 more transcripts); short protein forms I549V.
Identifiers: ClinVar variation 4988795 (VCV004988795.1).

ClinVar aggregate classification (germline): Uncertain significance (1 of 4 stars; one submission).

Conditions:
LEPR-related disorder. Also called: LEPR-related disorders; LEPR-related condition.

gnomAD v4.1: 53 of 1,613,688 alleles (0.0033%); highest among the groups gnomAD compares: Non-Finnish European, 0.0043%; no homozygotes.

Submission:

PreventionGenetics, part of Exact Sciences
Classification: Uncertain significance for LEPR-related condition. Last evaluated: 2026-07-24. Review status: criteria provided, single submitter. Criteria: ACMG Guidelines, 2015. Collection method: clinical testing. Allele origin: germline.
Comment: The LEPR c.1645A>G variant is predicted to result in the amino acid substitution p.Ile549Val. To our knowledge, this variant has not been reported in the literature or in a large population database (gnomAD), indicating this variant is rare. In vitro functional studies showed function similar to wild-type levels (Supplemental Data Set 2, Shah et al. 2023. PubMed ID: 36864747). At this time, the clinical significance of this variant is uncertain due to the absence of conclusive functional and genetic evidence.